The following is an entry in ClinVar:

NM_001184.4(ATR):c.1382T>A (p.Ile461Lys)

Gene: ATR (ATR checkpoint kinase; minus strand). Cytogenetic location: 3q23.
Variant type: single nucleotide variant.
Coding change: c.1382T>A on transcript NM_001184.4 (MANE Select); coding-DNA position 1382, T replaced by A.
Protein change: p.Ile461Lys; replaces isoleucine 461 with lysine.
Molecular consequence: missense variant. On other transcripts: intron variant (1).
Genome position (GRCh38, 1-based): chr3:142,560,422, A>T on the plus strand (T>A on the coding strand, the complement: ATR is on the minus strand). VCF-style: chr3-142560422-A-T. GRCh37 (hg19) VCF-style: chr3-142279264-A-T.
Other names: c.1349+821T>A (NM_001354579.2); short protein forms I461K.
Identifiers: ClinVar variation 1026745 (VCV001026745.15), dbSNP rs531789554, ClinGen allele CA2650606.

ClinVar aggregate classification (germline): Uncertain significance. Review status: criteria provided, multiple submitters, no conflicts (2 of 4 stars). 2 submissions from 2 submitters: Uncertain significance (2). Last evaluated 2025-04-01.

Allele frequency attached by ClinVar (database versions not stated): gnomAD 0.00001; gnomAD exomes 0.00002 and 0.00004; TOPMed 0.00002; ExAC 0.00003.
gnomAD v4.1: 54 of 1,613,198 alleles (0.0033%); highest among the groups gnomAD compares: Non-Finnish European, 0.0043%; no homozygotes.

Submissions (2):

CeGaT Center for Human Genetics Tuebingen
Classification: Uncertain significance. Last evaluated: 2025-04-01. Review status: criteria provided, single submitter. Criteria: CeGaT Center For Human Genetics Tuebingen Variant Classification Criteria Version 2. Collection method: clinical testing. Allele origin: germline. Affected: yes. Observed: 1 variant allele.
Comment: ATR: PM2:Supporting, BP4

Labcorp Genetics (formerly Invitae), Labcorp
Classification: Uncertain significance. Last evaluated: 2024-03-02. Review status: criteria provided, single submitter. Criteria: Invitae Variant Classification Sherloc (09022015). Collection method: clinical testing. Allele origin: germline.
Comment: This sequence change replaces isoleucine, which is neutral and non-polar, with lysine, which is basic and polar, at codon 461 of the ATR protein (p.Ile461Lys). This variant is present in population databases (rs531789554, gnomAD 0.007%). This variant has not been reported in the literature in individuals affected with ATR-related conditions. ClinVar contains an entry for this variant (Variation ID: 1026745). An algorithm developed to predict the effect of missense changes on protein structure and function (PolyPhen-2) suggests that this variant is likely to be tolerated. In summary, the available evidence is currently insufficient to determine the role of this variant in disease. Therefore, it has been classified as a Variant of Uncertain Significance.